The following is an entry in ClinVar:

NM_004004.6(GJB2):c.488T>G (p.Met163Arg)

Gene: GJB2 (gap junction protein beta 2; minus strand). Cytogenetic location: 13q12.11.
Variant type: single nucleotide variant.
Coding change: c.488T>G on transcript NM_004004.6 (MANE Select); coding-DNA position 488, T replaced by G.
Protein change: p.Met163Arg; replaces methionine 163 with arginine.
Molecular consequence: missense variant.
Genome position (GRCh38, 1-based): chr13:20,189,094, A>C on the plus strand (T>G on the coding strand, the complement: GJB2 is on the minus strand). VCF-style: chr13-20189094-A-C. GRCh37 (hg19) VCF-style: chr13-20763233-A-C.
Other names: short protein forms M163R.
Identifiers: ClinVar variation 1297584 (VCV001297584.4), dbSNP rs1273330603, ClinGen allele CA387461041.

ClinVar aggregate classification (germline): Uncertain significance. Review status: criteria provided, single submitter (1 of 4 stars). 3 submissions from 3 submitters: Uncertain significance (1). 2 of the submissions do not count toward it. Last evaluated 2024-05-22.

Submissions (3):

Women's Health and Genetics/Laboratory Corporation of America, LabCorp
Classification: Uncertain significance. Last evaluated: 2024-05-22. Review status: criteria provided, single submitter. Criteria: LabCorp Variant Classification Summary - May 2015. Collection method: clinical testing. Allele origin: germline.
Comment: Variant summary: GJB2 c.488T>G (p.Met163Arg) results in a non-conservative amino acid change located in the gap junction protein, cysteine-rich domain (IPR019570) of the encoded protein sequence. Five of five in-silico tools predict a damaging effect of the variant on protein function. The variant was absent in 251140 control chromosomes. The available data on variant occurrences in the general population are insufficient to allow any conclusion about variant significance. To our knowledge, no occurrence of c.488T>G in individuals affected with Non-Syndromic Hearing Loss and no experimental evidence demonstrating its impact on protein function have been reported. ClinVar contains an entry for this variant (Variation ID: 1297584). Based on the evidence outlined above, the variant was classified as uncertain significance.

Clinical Genetics DNA and cytogenetics Diagnostics Lab, Erasmus MC, Erasmus Medical Center
Classification: Uncertain significance. Review status: no assertion criteria provided. Collection method: clinical testing. Allele origin: germline. Affected: yes. Study: VKGL Data-share Consensus. Not counted in ClinVar's aggregate classification.

Joint Genome Diagnostic Labs from Nijmegen and Maastricht, Radboudumc and MUMC+
Classification: Uncertain significance. Review status: no assertion criteria provided. Collection method: clinical testing. Allele origin: germline. Affected: yes. Study: VKGL Data-share Consensus. Not counted in ClinVar's aggregate classification.